The following is an entry in ClinVar:

NM_001122955.4(BSCL2):c.457G>A (p.Val153Ile)

Genes: BSCL2 (BSCL2 lipid droplet biogenesis associated, seipin; minus strand), HNRNPUL2-BSCL2 (HNRNPUL2-BSCL2 readthrough (NMD candidate); minus strand). Cytogenetic location: 11q12.3.
Variant type: single nucleotide variant.
Coding change: c.457G>A on transcript NM_001122955.4 (MANE Select); coding-DNA position 457, G replaced by A.
Protein change: p.Val153Ile; replaces valine 153 with isoleucine.
Molecular consequence: missense variant. On other transcripts: non-coding transcript variant (1).
Genome position (GRCh38, 1-based): chr11:62,702,497, C>T on the plus strand (G>A on the coding strand, the complement: BSCL2 is on the minus strand). VCF-style: chr11-62702497-C-T. GRCh37 (hg19) VCF-style: chr11-62469969-C-T.
Other names: c.457G>A (NM_001122955.3); c.265G>A, p.Val89Ile (NM_001130702.2, NM_032667.6); c.457G>A, p.Val153Ile (NM_001386027.1, NM_001386028.1); short protein forms V153I, V89I.
Identifiers: ClinVar variation 448995 (VCV000448995.5), dbSNP rs1378410413, ClinGen allele CA380968412.

ClinVar aggregate classification (germline): Uncertain significance. Review status: criteria provided, multiple submitters, no conflicts (2 of 4 stars). 2 submissions from 2 submitters: Uncertain significance (2). Last evaluated 2025-12-22.

Conditions:
BSCL2-related disorder. Also called: BSCL2-related condition; BSCL2-Related Disorders.

Allele frequency attached by ClinVar (database versions not stated): TOPMed below 0.00001; gnomAD 0.00001.

Submissions (2):

PreventionGenetics, part of Exact Sciences
Classification: Uncertain significance for BSCL2-related condition. Last evaluated: 2025-12-22. Review status: criteria provided, single submitter. Criteria: ACMG Guidelines, 2015. Collection method: clinical testing. Allele origin: germline.
Comment: The BSCL2 c.457G>A variant is predicted to result in the amino acid substitution p.Val153Ile. Of note, this variant can also be referred to as c.265G>A (p.Val89Ile) in an alternate transcript, NM_032667. To our knowledge, this variant has not been reported in the literature or in a large population database (gnomAD), indicating this variant is rare. At this time, the clinical significance of this variant is uncertain due to the absence of conclusive functional and genetic evidence.

GeneDx
Classification: Uncertain significance. Last evaluated: 2023-08-23. Review status: criteria provided, single submitter. Criteria: GeneDx Variant Classification Process June 2021. Collection method: clinical testing. Allele origin: germline. Affected: yes.
Comment: Not observed at significant frequency in large population cohorts (gnomAD); In silico analysis supports that this missense variant does not alter protein structure/function; Has not been previously published as pathogenic or benign to our knowledge